The following is an entry in ClinVar:

ClinVar aggregate classification (germline): Uncertain significance (1 of 4 stars; one submission).

Submission:

Women's Health and Genetics/Laboratory Corporation of America, LabCorp
Classification: Uncertain significance. Last evaluated: 2025-03-19. Review status: criteria provided, single submitter. Criteria: LabCorp Variant Classification Summary - May 2015. Collection method: clinical testing. Allele origin: germline.
Comment: Variant summary: SMN1 c.839T>G (p.Phe280Cys) results in a non-conservative amino acid change in the encoded protein sequence. Three of five in-silico tools predict a damaging effect of the variant on protein function. The variant was absent in 248332 control chromosomes. The available data on variant occurrences in the general population are insufficient to allow any conclusion about variant significance. To our knowledge, no occurrence of c.839T>G in individuals affected with Spinal Muscular Atrophy and no experimental evidence demonstrating its impact on protein function have been reported. No submitters have cited clinical-significance assessments for this variant to ClinVar. Based on the evidence outlined above, the variant was classified as uncertain significance.

NM_000344.4(SMN1):c.839T>G (p.Phe280Cys)

Gene: SMN1 (survival of motor neuron 1, telomeric). Cytogenetic location: 5q13.2.
Variant type: single nucleotide variant.
Coding change: c.839T>G on transcript NM_000344.4 (MANE Select); coding-DNA position 839, T replaced by G.
Protein change: p.Phe280Cys; replaces phenylalanine 280 with cysteine.
Molecular consequence: missense variant. On other transcripts: intron variant (1).
Genome position (GRCh38, 1-based): chr5:70,951,945, T>G. VCF-style: chr5-70951945-T-G. GRCh37 (hg19) VCF-style: chr5-70247772-T-G.
Other names: c.743T>G, p.Phe248Cys (NM_022874.2); c.835-494T>G (NM_001297715.1); short protein forms F248C, F280C.
Identifiers: ClinVar variation 3896095 (VCV003896095.1).
Genomic context (GRCh38, chr5:70,951,945, plus strand): 5'-ATAGCTATCTATGTCTATATAGCTATTTTTTTTAACTTCCTTTATTTTCCTTACAGGGTT[T>G]CAGACAAAATCAAAAAGAAGGAAGGTGCTCACATTCCTTAAATTAAGGAGTAAGTCTGCC-3'
Protein context (NP_000335.1, residues 270-290): SGYHTGYYMG[Phe280Cys]RQNQKEGRCS